The following is an entry in ClinVar:

NM_000263.4(NAGLU):c.1391G>C (p.Arg464Pro)

Gene: NAGLU (N-acetyl-alpha-glucosaminidase; plus strand). Cytogenetic location: 17q21.2.
Variant type: single nucleotide variant.
Coding change: c.1391G>C on transcript NM_000263.4 (MANE Select); coding-DNA position 1391, G replaced by C.
Protein change: p.Arg464Pro; replaces arginine 464 with proline.
Molecular consequence: missense variant.
Genome position (GRCh38, 1-based): chr17:42,543,397, G>C. VCF-style: chr17-42543397-G-C. GRCh37 (hg19) VCF-style: chr17-40695415-G-C.
Other names: short protein forms R464P.
Identifiers: ClinVar variation 2001140 (VCV002001140.4), dbSNP rs377282648, ClinGen allele CA399602242.

ClinVar aggregate classification (germline): Uncertain significance (1 of 4 stars; one submission).

Conditions:
Mucopolysaccharidosis, MPS-III-B (MPS3B). Also called: N-ACETYL-ALPHA-D-GLUCOSAMINIDASE DEFICIENCY; NAGLU DEFICIENCY; SANFILIPPO SYNDROME B; MPS III B; Mucopolysaccharidosis type IIIB (Sanfilippo B); MPS IIIB (Sanfilippo Syndrome Type B). Identifiers: Orphanet 79270, MedGen C0086648, MONDO:0009656, OMIM 252920.
Charcot-Marie-Tooth disease axonal type 2V. Also called: CHARCOT-MARIE-TOOTH NEUROPATHY, TYPE 2V; CHARCOT-MARIE-TOOTH DISEASE, AXONAL, AUTOSOMAL DOMINANT, TYPE 2V. Identifiers: Orphanet 447964, MedGen C5569050, MONDO:0014665, OMIM 616491.

Submission:

Labcorp Genetics (formerly Invitae), Labcorp
Classification: Uncertain significance for Charcot-Marie-Tooth disease axonal type 2V; Mucopolysaccharidosis, MPS-III-B. Last evaluated: 2025-04-28. Review status: criteria provided, single submitter. Criteria: Invitae Variant Classification Sherloc (09022015). Collection method: clinical testing. Allele origin: germline.
Comment: This sequence change replaces arginine, which is basic and polar, with proline, which is neutral and non-polar, at codon 464 of the NAGLU protein (p.Arg464Pro). This variant is not present in population databases (gnomAD no frequency). This variant has not been reported in the literature in individuals affected with NAGLU-related conditions. ClinVar contains an entry for this variant (Variation ID: 2001140). Invitae Evidence Modeling of protein sequence and biophysical properties (such as structural, functional, and spatial information, amino acid conservation, physicochemical variation, residue mobility, and thermodynamic stability) indicates that this missense variant is expected to disrupt NAGLU protein function with a positive predictive value of 95%. In summary, the available evidence is currently insufficient to determine the role of this variant in disease. Therefore, it has been classified as a Variant of Uncertain Significance.